The following is an entry in ClinVar:

NM_000301.5(PLG):c.857A>G (p.Asn286Ser)

Gene: PLG (plasminogen; plus strand). Cytogenetic location: 6q26.
Variant type: single nucleotide variant.
Coding change: c.857A>G on transcript NM_000301.5 (MANE Select); coding-DNA position 857, A replaced by G.
Protein change: p.Asn286Ser; replaces asparagine 286 with serine.
Molecular consequence: missense variant.
Genome position (GRCh38, 1-based): chr6:160,718,363, A>G. VCF-style: chr6-160718363-A-G. GRCh37 (hg19) VCF-style: chr6-161139395-A-G.
Other names: short protein forms N286S.
Identifiers: ClinVar variation 3593314 (VCV003593314.3).

ClinVar aggregate classification (germline): Uncertain significance. Review status: criteria provided, multiple submitters, no conflicts (2 of 4 stars). 2 submissions from 2 submitters: Uncertain significance (2). Last evaluated 2025-06-08.

Conditions:
Plasminogen deficiency, type I. Also called: Type 1 plasminogen deficiency; Hypoplasminogenemia. Identifiers: Orphanet 722, MedGen C1968804, MONDO:0009009, OMIM 217090.
Angioedema, hereditary, 4. Identifiers: MedGen C5543503, MONDO:0025712, OMIM 619360.

gnomAD v4.1: 4 of 1,613,782 alleles (0.00025%); highest among the groups gnomAD compares: Admixed American, 0.0067%; no homozygotes.

Submissions (2):

Labcorp Genetics (formerly Invitae), Labcorp
Classification: Uncertain significance. Last evaluated: 2025-06-08. Review status: criteria provided, single submitter. Criteria: Invitae Variant Classification Sherloc (09022015). Collection method: clinical testing. Allele origin: germline.
Comment: This sequence change replaces asparagine, which is neutral and polar, with serine, which is neutral and polar, at codon 286 of the PLG protein (p.Asn286Ser). This variant is present in population databases (rs775647219, gnomAD 0.009%). This variant has not been reported in the literature in individuals affected with PLG-related conditions. ClinVar contains an entry for this variant (Variation ID: 3593314). Invitae Evidence Modeling of protein sequence and biophysical properties (such as structural, functional, and spatial information, amino acid conservation, physicochemical variation, residue mobility, and thermodynamic stability) indicates that this missense variant is not expected to disrupt PLG protein function with a negative predictive value of 80%. In summary, the available evidence is currently insufficient to determine the role of this variant in disease. Therefore, it has been classified as a Variant of Uncertain Significance.

Fulgent Genetics
Classification: Uncertain significance for Plasminogen deficiency, type I; Angioedema, hereditary, 4. Last evaluated: 2024-03-18. Review status: criteria provided, single submitter. Criteria: ACMG Guidelines, 2015. Collection method: clinical testing. Allele origin: germline.